The following is an entry in ClinVar:

ClinVar aggregate classification (germline): Uncertain significance. Review status: criteria provided, multiple submitters, no conflicts (2 of 4 stars). 3 submissions from 3 submitters: Uncertain significance (3). Last evaluated 2026-05-28.

Submissions (3):

Women's Health and Genetics/Laboratory Corporation of America, LabCorp
Classification: Uncertain significance. Last evaluated: 2026-05-28. Review status: criteria provided, single submitter. Criteria: LabCorp Variant Classification Summary - May 2015. Collection method: clinical testing. Allele origin: germline.
Comment: Variant summary: ESPN c.1291C>G (p.Pro431Ala) results in a non-conservative amino acid change in the encoded protein sequence. Algorithms developed to predict the effect of missense changes on protein structure and function are either unavailable or do not agree on the potential impact of this missense change. The frequency data for this variant in gnomAD is considered unreliable, as metrics indicate poor data quality at this position. To our knowledge, no occurrence of c.1291C>G in individuals affected with ESPN-related conditions and no experimental evidence demonstrating its impact on protein function have been reported. ClinVar contains an entry for this variant (Variation ID: 1935103). Based on the evidence outlined above, the variant was classified as uncertain significance.

Blueprint Genetics
Classification: Uncertain significance. Last evaluated: 2024-11-14. Review status: criteria provided, single submitter. Criteria: ACMG Guidelines, 2015. Collection method: clinical testing. Allele origin: germline.

Labcorp Genetics (formerly Invitae), Labcorp
Classification: Uncertain significance. Last evaluated: 2022-02-06. Review status: criteria provided, single submitter. Criteria: Invitae Variant Classification Sherloc (09022015). Collection method: clinical testing. Allele origin: germline.
Comment: This sequence change replaces proline, which is neutral and non-polar, with alanine, which is neutral and non-polar, at codon 431 of the ESPN protein (p.Pro431Ala). The frequency data for this variant in the population databases is considered unreliable, as metrics indicate poor data quality at this position in the gnomAD database. This variant has not been reported in the literature in individuals affected with ESPN-related conditions. Algorithms developed to predict the effect of missense changes on protein structure and function (SIFT, PolyPhen-2, Align-GVGD) all suggest that this variant is likely to be tolerated. In summary, the available evidence is currently insufficient to determine the role of this variant in disease. Therefore, it has been classified as a Variant of Uncertain Significance.

NM_031475.3(ESPN):c.1291C>G (p.Pro431Ala)

Gene: ESPN (espin; plus strand). Cytogenetic location: 1p36.31.
Variant type: single nucleotide variant.
Coding change: c.1291C>G on transcript NM_031475.3 (MANE Select); coding-DNA position 1291, C replaced by G.
Protein change: p.Pro431Ala; replaces proline 431 with alanine.
Molecular consequence: missense variant.
Genome position (GRCh38, 1-based): chr1:6,445,762, C>G. VCF-style: chr1-6445762-C-G. GRCh37 (hg19) VCF-style: chr1-6505822-C-G.
Other names: c.1291C>G, p.Pro431Ala (NM_001367473.1, NM_001367474.1); short protein forms P431A.
Identifiers: ClinVar variation 1935103 (VCV001935103.7), dbSNP rs1434749087, ClinGen allele CA338094655.